The following is an entry in ClinVar:

NM_016188.5(ACTL6B):c.1113+2T>A

Gene: ACTL6B (actin like 6B; minus strand). Cytogenetic location: 7q22.1.
Variant type: single nucleotide variant.
Coding change: c.1113+2T>A on transcript NM_016188.5 (MANE Select); the canonical splice donor site of the intron after coding-DNA position 1113, T replaced by A.
Molecular consequence: splice donor variant.
Genome position (GRCh38, 1-based): chr7:100,646,549, A>T on the plus strand (T>A on the coding strand, the complement: ACTL6B is on the minus strand). VCF-style: chr7-100646549-A-T. GRCh37 (hg19) VCF-style: chr7-100244172-A-T.
Identifiers: ClinVar variation 3239509 (VCV003239509.19), dbSNP rs2486156853.
Genomic context (GRCh38, chr7:100,646,549, plus strand): 5'-CAGTCCTGGACAGCTGAGCCAGGACGGGTGTCCAGGGCTCTGGGTCAGGGGTGGGCTCCT[A>T]CCGGTGGGGTCTTCTGGGAAAGCTCTCGATTGAGCCTGTCAGTGAAGCCCTGCAGCAGTG-3'

ClinVar aggregate classification (germline): Uncertain significance (1 of 4 stars; one submission).

Allele frequency attached by ClinVar (database versions not stated): gnomAD exomes below 0.00001.

Submission:

CeGaT Center for Human Genetics Tuebingen
Classification: Uncertain significance. Last evaluated: 2024-05-01. Review status: criteria provided, single submitter. Criteria: CeGaT Center For Human Genetics Tuebingen Variant Classification Criteria Version 2. Collection method: clinical testing. Allele origin: germline. Affected: yes. Observed: 1 variant allele.
Comment: ACTL6B: PM2, PVS1:Moderate